The following is an entry in ClinVar:

ClinVar aggregate classification (germline): Likely benign (1 of 4 stars; one submission).

gnomAD v4.1: 1 of 1,613,554 alleles (0.000062%); highest among the groups gnomAD compares: Non-Finnish European, 0.000085%; no homozygotes.

Submission:

CeGaT Center for Human Genetics Tuebingen
Classification: Likely benign. Last evaluated: 2026-07-01. Review status: criteria provided, single submitter. Criteria: CeGaT Center For Human Genetics Tuebingen Variant Classification Criteria Version 2. Collection method: clinical testing. Allele origin: germline. Affected: yes. Observed: 1 variant allele.
Comment: TTN: BP4, BP7

NM_001267550.2(TTN):c.10860C>T (p.Ser3620=)

Gene: TTN (titin; minus strand). Cytogenetic location: 2q31.2.
Variant type: single nucleotide variant.
Coding change: c.10860C>T on transcript NM_001267550.2 (MANE Select); coding-DNA position 10860, C replaced by T.
Protein change: p.Ser3620=; no amino-acid change (serine 3620 retained).
Molecular consequence: synonymous variant. On other transcripts: intron variant (5).
Genome position (GRCh38, 1-based): chr2:178,756,616, G>A on the plus strand (C>T on the coding strand, the complement: TTN is on the minus strand). VCF-style: chr2-178756616-G-A. GRCh37 (hg19) VCF-style: chr2-179621343-G-A.
Other names: c.10347C>T, p.Ser3449= (NM_133437.4); c.10165+2368C>T (NM_003319.4); c.10540+926C>T (NM_133432.3); c.10303+2368C>T (NM_133378.4, NM_001256850.1, NM_133379.5).
Identifiers: ClinVar variation 5040071 (VCV005040071.1).